The following is an entry in ClinVar:

NM_001258392.3(CLPB):c.663G>A (p.Glu221=)

Gene: CLPB (ClpB family mitochondrial disaggregase; minus strand). Cytogenetic location: 11q13.4.
Variant type: single nucleotide variant.
Coding change: c.663G>A on transcript NM_001258392.3 (MANE Select); coding-DNA position 663, G replaced by A.
Protein change: p.Glu221=; no amino-acid change (glutamic acid 221 retained).
Molecular consequence: synonymous variant.
Genome position (GRCh38, 1-based): chr11:72,358,992, C>T on the plus strand (G>A on the coding strand, the complement: CLPB is on the minus strand). VCF-style: chr11-72358992-C-T. GRCh37 (hg19) VCF-style: chr11-72070036-C-T.
Other names: p.Glu251=; c.576G>A, p.Glu192= (NM_001258393.3); c.618G>A, p.Glu206= (NM_001258394.3); c.753G>A, p.Glu251= (NM_030813.6).
Identifiers: ClinVar variation 742714 (VCV000742714.13), dbSNP rs571326442, ClinGen allele CA6171432.
Genomic context (GRCh38, chr11:72,358,992, plus strand): 5'-GTGCAAGGCCGTGCAGCCCTTGAAACTGGCGCGGTTGTTCAGCCTGTTGTTGAAGTCATC[C>T]TCTCGGGTGATCAGGACTGGGGAGACAGCAACACAAACCCTTCCATTAGCAACGACAGCA-3'
Protein context (NP_001245321.1, residues 211-231): IHSLEVLITR[Glu221=]DDFNNRLNNR

ClinVar aggregate classification (germline): Likely benign. Review status: criteria provided, multiple submitters, no conflicts (2 of 4 stars). 3 submissions from 3 submitters: Likely benign (3). Last evaluated 2025-11-24.

Conditions:
3-methylglutaconic aciduria, type VIIB (MGCA7B). Also called: 3-methylglutaconic aciduria with cataracts, neurologic involvement and neutropenia; 3-methylglutaconic aciduria, type VII, with cataracts, neurologic involvement and neutropenia; CLPB Deficiency. Identifiers: Orphanet 445038, MedGen C5676893, MONDO:0014561, OMIM 616271.

Allele frequency attached by ClinVar (database versions not stated): gnomAD below 0.00001 and 0.00003; TOPMed below 0.00001; gnomAD exomes 0.00006 and 0.00014; 1000 Genomes Project 30x 0.00016; 1000 Genomes Project 0.00020; ExAC 0.00020.
gnomAD v4.1: 91 of 1,613,618 alleles (0.0056%); highest among the groups gnomAD compares: South Asian, 0.096%; no homozygotes.

Submissions (3):

Labcorp Genetics (formerly Invitae), Labcorp
Classification: Likely benign for 3-methylglutaconic aciduria, type VIIB. Last evaluated: 2025-11-24. Review status: criteria provided, single submitter. Criteria: Invitae Variant Classification Sherloc (09022015). Collection method: clinical testing. Allele origin: germline.

Mayo Clinic Laboratories, Mayo Clinic
Classification: Likely benign. Last evaluated: 2025-04-09. Review status: criteria provided, single submitter. Criteria: ACMG Guidelines, 2015. Collection method: clinical testing. Allele origin: germline. Observed: 1 variant allele.
Comment: BS1, BP4, BP7

Blueprint Genetics
Classification: Likely benign. Last evaluated: 2024-03-20. Review status: criteria provided, single submitter. Criteria: ACMG Guidelines, 2015. Collection method: clinical testing. Allele origin: germline.